The following is an entry in ClinVar:

NM_006493.4(CLN5):c.424G>C (p.Gly142Arg)

Gene: CLN5 (CLN5 lysosomal BMP synthase; plus strand). Cytogenetic location: 13q22.3.
Variant type: single nucleotide variant.
Coding change: c.424G>C on transcript NM_006493.4 (MANE Select); coding-DNA position 424, G replaced by C.
Protein change: p.Gly142Arg; replaces glycine 142 with arginine.
Molecular consequence: missense variant.
Genome position (GRCh38, 1-based): chr13:76,995,986, G>C. VCF-style: chr13-76995986-G-C. GRCh37 (hg19) VCF-style: chr13-77570121-G-C.
Other names: p.Gly142Arg; c.571G>C (LRG_692t1); c.424G>C, p.Gly142Arg (NM_001366624.2); short protein forms G142R.
Identifiers: ClinVar variation 373760 (VCV000373760.14), dbSNP rs201464545, ClinGen allele CA7007202.

ClinVar aggregate classification (germline): Conflicting classifications of pathogenicity. Review status: criteria provided, conflicting classifications (1 of 4 stars). 8 submissions from 8 submitters: Uncertain significance (6); Likely benign (1). 1 of the submissions does not count toward it. Last evaluated 2026-01-09.

Conditions:
Inborn genetic diseases. Identifiers: MedGen C0950123, MeSH D030342.
Neuronal ceroid lipofuscinosis. Also called: Neuronal Ceroid Lipofuscinoses. Identifiers: Orphanet 216, Orphanet 79263, MedGen C0027877, MONDO:0016295. Disease mechanism: loss of function.
Neuronal ceroid lipofuscinosis 5 (CLN5). Also called: Neuronal ceroid lipofuscinosis Finnish variant; NEURONAL CEROID LIPOFUSCINOSIS, LATE INFANTILE, FINNISH VARIANT; CLN5-Related Neuronal Ceroid-Lipofuscinosis; CEROID LIPOFUSCINOSIS, NEURONAL, 5, VARIABLE AGE AT ONSET. Identifiers: Orphanet 168491, Orphanet 228360, MedGen C1850442, MONDO:0009745, OMIM 256731.

Allele frequency attached by ClinVar (database versions not stated): gnomAD exomes 0.00001 and 0.00006; gnomAD 0.00003; ExAC 0.00004; TOPMed 0.00005; 1000 Genomes Project 30x 0.00047; 1000 Genomes Project 0.00060.
gnomAD v4.1: 33 of 1,614,160 alleles (0.002%); highest among the groups gnomAD compares: East Asian, 0.045%; no homozygotes.

Submissions (8):

Labcorp Genetics (formerly Invitae), Labcorp
Classification: Likely benign for Neuronal ceroid lipofuscinosis. Last evaluated: 2026-01-09. Review status: criteria provided, single submitter. Criteria: Invitae Variant Classification Sherloc (09022015). Collection method: clinical testing. Allele origin: germline.

Ambry Genetics
Classification: Uncertain significance for Inborn genetic diseases. Last evaluated: 2025-11-26. Review status: criteria provided, single submitter. Criteria: Ambry Variant Classification Scheme 2023. Collection method: clinical testing. Allele origin: germline.
Comment: The c.571G>C (p.G191R) alteration is located in exon 3 (coding exon 3) of the CLN5 gene. This alteration results from a G to C substitution at nucleotide position 571, causing the glycine (G) at amino acid position 191 to be replaced by an arginine (R). Based on data from gnomAD, the C allele has an overall frequency of 0.006% (17/282890) total alleles studied. The highest observed frequency was 0.08% (16/19950) of East Asian alleles. Based on insufficient or conflicting evidence, the clinical significance of this alteration remains unclear.

Mayo Clinic Laboratories, Mayo Clinic
Classification: Uncertain significance. Last evaluated: 2025-10-15. Review status: criteria provided, single submitter. Criteria: ACMG Guidelines, 2015. Collection method: clinical testing. Allele origin: germline. Observed: 1 variant allele.
Comment: PP3_moderate, PM2_supporting

Department of Pathology and Laboratory Medicine, Sinai Health System
Classification: Uncertain significance for neuronal ceroid lipofuscinosis. Last evaluated: 2021-12-03. Review status: criteria provided, single submitter. Criteria: ACMG Guidelines, 2015. Collection method: research. Allele origin: germline.

Genome-Nilou Lab
Classification: Uncertain significance for Neuronal ceroid lipofuscinosis 5. Last evaluated: 2021-09-05. Review status: criteria provided, single submitter. Criteria: ACMG Guidelines, 2015. Collection method: clinical testing. Allele origin: germline. Affected: no.

Fulgent Genetics
Classification: Uncertain significance for Neuronal ceroid lipofuscinosis 5. Last evaluated: 2021-08-27. Review status: criteria provided, single submitter. Criteria: ACMG Guidelines, 2015. Collection method: clinical testing. Allele origin: unknown.

GeneDx
Classification: Uncertain significance. Last evaluated: 2016-12-06. Review status: criteria provided, single submitter. Criteria: GeneDx Variant Classification (06012015). Collection method: clinical testing. Allele origin: germline. Affected: yes.
Comment: A variant of uncertain significance has been identified in the CLN5 gene. The G191R variant has not been published as a pathogenic variant, nor has it been reported as a benign variant to our knowledge. The G191R variant is not observed at a significant frequency in large population cohorts (Lek et al., 2016; 1000 Genomes Consortium et al., 2015; Exome Variant Server. The G191R variant is a non-conservative amino acid substitution, which is likely to impact secondary protein structure as these residues differ in polarity, charge, size and/or other properties. This substitution occurs at a position that is conserved across species and in silico analysis predicts this variant is probably damaging to the protein structure/function. Additionally, missense variants in nearby residues (N192S and L198P) have been reported in Human Gene Mutation Database in association with neuronal ceroid lipofuscinosis (Stenson et al., 2014), supporting the functional importance of this region of the protein. Based on the currently available information, it is unclear whether this variant is a pathogenic variant or a rare benign variant.

Natera, Inc.
Classification: Uncertain significance for Neuronal ceroid lipofuscinosis 5. Last evaluated: 2020-04-16. Review status: no assertion criteria provided. Collection method: clinical testing. Allele origin: germline. Not counted in ClinVar's aggregate classification.